The following is an entry in ClinVar:

ClinVar aggregate classification (germline): Uncertain significance (1 of 4 stars; one submission).

Submission:

Ambry Genetics
Classification: Uncertain significance. Last evaluated: 2023-06-29. Review status: criteria provided, single submitter. Criteria: Ambry Variant Classification Scheme 2023. Collection method: clinical testing. Allele origin: germline.
Comment: The p.K2461R variant (also known as c.7382A>G), located in coding exon 27 of the POLQ gene, results from an A to G substitution at nucleotide position 7382. The lysine at codon 2461 is replaced by arginine, an amino acid with highly similar properties. This amino acid position is conserved. In addition, the in silico prediction for this alteration is inconclusive. Since supporting evidence is limited at this time, the clinical significance of this alteration remains unclear.

NM_199420.4(POLQ):c.7382A>G (p.Lys2461Arg)

Gene: POLQ (DNA polymerase theta; minus strand). Cytogenetic location: 3q13.33.
Variant type: single nucleotide variant.
Coding change: c.7382A>G on transcript NM_199420.4 (MANE Select); coding-DNA position 7382, A replaced by G.
Protein change: p.Lys2461Arg; replaces lysine 2461 with arginine.
Molecular consequence: missense variant.
Genome position (GRCh38, 1-based): chr3:121,439,999, T>C on the plus strand (A>G on the coding strand, the complement: POLQ is on the minus strand). VCF-style: chr3-121439999-T-C. GRCh37 (hg19) VCF-style: chr3-121158846-T-C.
Other names: short protein forms K2461R.
Identifiers: ClinVar variation 2625820 (VCV002625820.2), dbSNP rs2546749828, ClinGen allele CA354097702.